The following is an entry in ClinVar:

NM_004329.3(BMPR1A):c.619A>C (p.Lys207Gln)

Gene: BMPR1A (bone morphogenetic protein receptor type 1A; plus strand). Cytogenetic location: 10q23.2.
Variant type: single nucleotide variant.
Coding change: c.619A>C on transcript NM_004329.3 (MANE Select); coding-DNA position 619, A replaced by C.
Protein change: p.Lys207Gln; replaces lysine 207 with glutamine.
Molecular consequence: missense variant.
Genome position (GRCh38, 1-based): chr10:86,912,328, A>C. VCF-style: chr10-86912328-A-C. GRCh37 (hg19) VCF-style: chr10-88672085-A-C.
Other names: c.694A>C, p.Lys232Gln (NM_001406559.1); c.667A>C, p.Lys223Gln (NM_001406560.1); c.619A>C, p.Lys207Gln (NM_001406561.1, NM_001406562.1, NM_001406563.1 and 20 more transcripts); c.535A>C, p.Lys179Gln (NM_001406584.1, NM_001406585.1, NM_001406586.1 and 2 more transcripts); short protein forms K179Q, K223Q, K232Q, K207Q.
Identifiers: ClinVar variation 1752141 (VCV001752141.2), dbSNP rs2133545475, ClinGen allele CA377454825.

ClinVar aggregate classification (germline): Uncertain significance (1 of 4 stars; one submission).

Conditions:
Hereditary cancer-predisposing syndrome. Also called: Hereditary Cancer Syndrome; Hereditary neoplastic syndrome; Neoplastic Syndromes, Hereditary; Tumor predisposition. Identifiers: Orphanet 140162, MedGen C0027672, MeSH D009386, MONDO:0015356.

Submission:

Ambry Genetics
Classification: Uncertain significance for Hereditary cancer-predisposing syndrome. Last evaluated: 2021-12-31. Review status: criteria provided, single submitter. Criteria: Ambry Variant Classification Scheme 2023. Collection method: clinical testing. Allele origin: germline.
Comment: The p.K207Q variant (also known as c.619A>C), located in coding exon 6 of the BMPR1A gene, results from an A to C substitution at nucleotide position 619. The lysine at codon 207 is replaced by glutamine, an amino acid with similar properties. This amino acid position is highly conserved in available vertebrate species. In addition, the in silico prediction for this alteration is inconclusive. Since supporting evidence is limited at this time, the clinical significance of this alteration remains unclear.